The following is an entry in ClinVar:

NM_001365951.3(KIF1B):c.5255T>C (p.Val1752Ala)

Gene: KIF1B (kinesin family member 1B; plus strand). Cytogenetic location: 1p36.22.
Variant type: single nucleotide variant.
Coding change: c.5255T>C on transcript NM_001365951.3 (MANE Select); coding-DNA position 5255, T replaced by C.
Protein change: p.Val1752Ala; replaces valine 1752 with alanine.
Molecular consequence: missense variant.
Genome position (GRCh38, 1-based): chr1:10,375,012, T>C. VCF-style: chr1-10375012-T-C. GRCh37 (hg19) VCF-style: chr1-10435070-T-C.
Other names: c.5255T>C, p.Val1752Ala (NM_001365952.1); c.5117T>C, p.Val1706Ala (NM_015074.3); short protein forms V1706A, V1752A.
Identifiers: ClinVar variation 3226537 (VCV003226537.1), dbSNP rs764695981, ClinGen allele CA582297.

ClinVar aggregate classification (germline): Uncertain significance (1 of 4 stars; one submission).

Allele frequency attached by ClinVar (database versions not stated): ExAC 0.00001; gnomAD exomes 0.00001.
gnomAD v4.1: 3 of 1,614,168 alleles (0.00019%); highest among the groups gnomAD compares: South Asian, 0.0033%; no homozygotes.

Submission:

Ambry Genetics
Classification: Uncertain significance. Last evaluated: 2024-01-25. Review status: criteria provided, single submitter. Criteria: Ambry Variant Classification Scheme 2023. Collection method: clinical testing. Allele origin: germline.
Comment: The p.V1706A variant (also known as c.5117T>C), located in coding exon 44 of the KIF1B gene, results from a T to C substitution at nucleotide position 5117. The valine at codon 1706 is replaced by alanine, an amino acid with similar properties. This amino acid position is conserved. In addition, the in silico prediction for this alteration is inconclusive. Based on the available evidence, the clinical significance of this alteration remains unclear.